The following is an entry in ClinVar:

ClinVar aggregate classification (germline): Uncertain significance (1 of 4 stars; one submission).

gnomAD v4.1: 15 of 1,613,264 alleles (0.00093%); highest among the groups gnomAD compares: Non-Finnish European, 0.0012%; no homozygotes.

Submission:

Labcorp Genetics (formerly Invitae), Labcorp
Classification: Uncertain significance. Last evaluated: 2024-04-13. Review status: criteria provided, single submitter. Criteria: Invitae Variant Classification Sherloc (09022015). Collection method: clinical testing. Allele origin: germline.
Comment: This sequence change replaces isoleucine, which is neutral and non-polar, with threonine, which is neutral and polar, at codon 289 of the PAX5 protein (p.Ile289Thr). This variant is not present in population databases (gnomAD no frequency). This variant has not been reported in the literature in individuals affected with PAX5-related conditions. Advanced modeling of protein sequence and biophysical properties (such as structural, functional, and spatial information, amino acid conservation, physicochemical variation, residue mobility, and thermodynamic stability) performed at Invitae indicates that this missense variant is not expected to disrupt PAX5 protein function with a negative predictive value of 80%. In summary, the available evidence is currently insufficient to determine the role of this variant in disease. Therefore, it has been classified as a Variant of Uncertain Significance.

NM_016734.3(PAX5):c.866T>C (p.Ile289Thr)

Gene: PAX5 (paired box 5; minus strand). Cytogenetic location: 9p13.2.
Variant type: single nucleotide variant.
Coding change: c.866T>C on transcript NM_016734.3 (MANE Select); coding-DNA position 866, T replaced by C.
Protein change: p.Ile289Thr; replaces isoleucine 289 with threonine.
Molecular consequence: missense variant. On other transcripts: intron variant (2).
Genome position (GRCh38, 1-based): chr9:36,923,399, A>G on the plus strand (T>C on the coding strand, the complement: PAX5 is on the minus strand). VCF-style: chr9-36923399-A-G. GRCh37 (hg19) VCF-style: chr9-36923396-A-G.
Other names: c.780+43150T>C (NM_001280550.2, NM_001280549.2); c.866T>C, p.Ile289Thr (NM_001280547.2, NM_001280548.2, NM_001280552.2); c.542T>C, p.Ile181Thr (NM_001280551.2, NM_001280556.2); c.737T>C, p.Ile246Thr (NM_001280553.2, NM_001280554.2); c.668T>C, p.Ile223Thr (NM_001280555.2); short protein forms I289T, I181T, I246T, I223T.
Identifiers: ClinVar variation 3678197 (VCV003678197.2).
Genomic context (GRCh38, chr9:36,923,399, plus strand): 5'-CCCCAGGTGCCCTCACCTGTCACAATGGGGTAGGACTGCGGGCCTGGCACACTGCTCCCG[A>G]TGTCAGCAGGGGTGGGGCTGGCCAGATTGGCCTTCATGTCGTCCAGCCCACCAGCCAGCG-3'
Protein context (NP_057953.1, residues 279-299): ANLASPTPAD[Ile289Thr]GSSVPGPQSY